The following is an entry in ClinVar:

NM_020442.6(VARS2):c.2782C>T (p.Arg928Ter)

Gene: VARS2 (valyl-tRNA synthetase 2, mitochondrial; plus strand). Cytogenetic location: 6p21.33.
Variant type: single nucleotide variant.
Coding change: c.2782C>T on transcript NM_020442.6 (MANE Select); coding-DNA position 2782, C replaced by T.
Protein change: p.Arg928Ter; replaces arginine 928 with a stop codon.
Molecular consequence: nonsense.
Genome position (GRCh38, 1-based): chr6:30,925,382, C>T. VCF-style: chr6-30925382-C-T. GRCh37 (hg19) VCF-style: chr6-30893159-C-T.
Other names: c.2362C>T, p.Arg788Ter (NM_001167733.3); c.2872C>T, p.Arg958Ter (NM_001167734.2); short protein forms R788*, R928*, R958*.
Identifiers: ClinVar variation 4699300 (VCV004699300.1).

ClinVar aggregate classification (germline): Pathogenic (1 of 4 stars; one submission).

gnomAD v4.1: 6 of 1,608,172 alleles (0.00037%); highest among the groups gnomAD compares: South Asian, 0.0011%; no homozygotes.

Submission:

Labcorp Genetics (formerly Invitae), Labcorp
Classification: Pathogenic. Last evaluated: 2025-05-14. Review status: criteria provided, single submitter. Criteria: Invitae Variant Classification Sherloc (09022015). Collection method: clinical testing. Allele origin: germline.
Comment: This sequence change creates a premature translational stop signal (p.Arg958*) in the VARS2 gene. It is expected to result in an absent or disrupted protein product. Loss-of-function variants in VARS2 are known to be pathogenic (PMID: 29313548). The frequency data for this variant in the population databases is considered unreliable, as metrics indicate poor data quality at this position in the gnomAD database. This variant has not been reported in the literature in individuals affected with VARS2-related conditions. For these reasons, this variant has been classified as Pathogenic.

Literature cited by the submitters: PubMed 29313548.